The following is an entry in ClinVar:

ClinVar aggregate classification (germline): Uncertain significance. Review status: criteria provided, multiple submitters, no conflicts (2 of 4 stars). 2 submissions from 2 submitters: Uncertain significance (2). Last evaluated 2022-08-05.

Conditions:
Donnai-Barrow syndrome. Also called: DBS/FOAR SYNDROME; FACIOOCULOACOUSTICORENAL SYNDROME. Identifiers: Orphanet 2143, MedGen C1857277, MONDO:0009104, OMIM 222448.

Allele frequency attached by ClinVar (database versions not stated): gnomAD 0.00003; TOPMed 0.00004.
gnomAD v4.1: 69 of 1,613,966 alleles (0.0043%); highest among the groups gnomAD compares: Admixed American, 0.0083%; no homozygotes.

Submissions (2):

Labcorp Genetics (formerly Invitae), Labcorp
Classification: Uncertain significance. Last evaluated: 2022-08-05. Review status: criteria provided, single submitter. Criteria: Invitae Variant Classification Sherloc (09022015). Collection method: clinical testing. Allele origin: germline.
Comment: This sequence change replaces asparagine, which is neutral and polar, with aspartic acid, which is acidic and polar, at codon 4129 of the LRP2 protein (p.Asn4129Asp). This variant is present in population databases (no rsID available, gnomAD 0.009%). This variant has not been reported in the literature in individuals affected with LRP2-related conditions. ClinVar contains an entry for this variant (Variation ID: 1467962). Advanced modeling of protein sequence and biophysical properties (such as structural, functional, and spatial information, amino acid conservation, physicochemical variation, residue mobility, and thermodynamic stability) performed at Invitae indicates that this missense variant is expected to disrupt LRP2 protein function. In summary, the available evidence is currently insufficient to determine the role of this variant in disease. Therefore, it has been classified as a Variant of Uncertain Significance.

Fulgent Genetics
Classification: Uncertain significance for Donnai-Barrow syndrome. Last evaluated: 2022-02-17. Review status: criteria provided, single submitter. Criteria: ACMG Guidelines, 2015. Collection method: clinical testing. Allele origin: unknown.

NM_004525.3(LRP2):c.12385A>G (p.Asn4129Asp)

Gene: LRP2 (LDL receptor related protein 2; minus strand). Cytogenetic location: 2q31.1.
Variant type: single nucleotide variant.
Coding change: c.12385A>G on transcript NM_004525.3 (MANE Select); coding-DNA position 12385, A replaced by G.
Protein change: p.Asn4129Asp; replaces asparagine 4129 with aspartic acid.
Molecular consequence: missense variant.
Genome position (GRCh38, 1-based): chr2:169,152,875, T>C on the plus strand (A>G on the coding strand, the complement: LRP2 is on the minus strand). VCF-style: chr2-169152875-T-C. GRCh37 (hg19) VCF-style: chr2-170009385-T-C.
Other names: short protein forms N4129D.
Identifiers: ClinVar variation 1467962 (VCV001467962.4), dbSNP rs1014040945, ClinGen allele CA59896874.